The following is an entry in ClinVar:

NM_001126128.2(PROK2):c.263A>G (p.Lys88Arg)

Gene: PROK2 (prokineticin 2; minus strand). Cytogenetic location: 3p13.
Variant type: single nucleotide variant.
Coding change: c.263A>G on transcript NM_001126128.2 (MANE Select); coding-DNA position 263, A replaced by G.
Protein change: p.Lys88Arg; replaces lysine 88 with arginine.
Molecular consequence: missense variant. On other transcripts: intron variant (1).
Genome position (GRCh38, 1-based): chr3:71,774,467, T>C on the plus strand (A>G on the coding strand, the complement: PROK2 is on the minus strand). VCF-style: chr3-71774467-T-C. GRCh37 (hg19) VCF-style: chr3-71823618-T-C.
Other names: c.223-1639A>G (NM_021935.4); short protein forms K88R.
Identifiers: ClinVar variation 4993586 (VCV004993586.1).

ClinVar aggregate classification (germline): Uncertain significance (1 of 4 stars; one submission).

Conditions:
PROK2-related disorder. Also called: PROK2-related condition.

Submission:

PreventionGenetics, part of Exact Sciences
Classification: Uncertain significance for PROK2-related condition. Last evaluated: 2026-08-07. Review status: criteria provided, single submitter. Criteria: ACMG Guidelines, 2015. Collection method: clinical testing. Allele origin: germline.
Comment: The PROK2 c.263A>G variant is predicted to result in the amino acid substitution p.Lys88Arg. To our knowledge, this variant has not been reported in the literature. This variant is reported in 0.0041% of alleles in individuals of Latino descent in gnomAD. At this time, the clinical significance of this variant is uncertain due to the absence of conclusive functional and genetic evidence.